The following is an entry in ClinVar:

ClinVar aggregate classification (germline): Uncertain significance (1 of 4 stars; one submission).

Conditions:
Lateral meningocele syndrome (LMNS). Also called: NOTCH3-Related Lateral Meningocele Syndrome. Identifiers: Orphanet 2789, MedGen C1851710, MONDO:0007537, OMIM 130720.

gnomAD v4.1: 1 of 1,613,964 alleles (0.000062%); highest among the groups gnomAD compares: Admixed American, 0.0017%; no homozygotes.

Submission:

Foundation for Research in Genetics and Endocrinology, FRIGE's Institute of Human Genetics
Classification: Uncertain significance for Lateral meningocele syndrome. Last evaluated: 2024-11-07. Review status: criteria provided, single submitter. Criteria: ACMG Guidelines, 2015. Collection method: clinical testing. Allele origin: germline. Inheritance: Autosomal dominant inheritance. Affected: yes. Observed: 1 heterozygote.
Comment: A heterozygous variant in exon 33 of the NOTCH3 gene that results in the amino acid substitution of Serine for Proline at codon 2260 was detected. The observed variant c.6778C>T (p.Pro2260Ser) has not been reported in the 1000 genomes and has MAF of 0.0001% in the gnomAD databases. In summary, the variant meets our criteria to be classified as variant of uncertain significance.

NM_000435.3(NOTCH3):c.6778C>T (p.Pro2260Ser)

Gene: NOTCH3 (notch receptor 3; minus strand). Cytogenetic location: 19p13.12.
Variant type: single nucleotide variant.
Coding change: c.6778C>T on transcript NM_000435.3 (MANE Select); coding-DNA position 6778, C replaced by T.
Protein change: p.Pro2260Ser; replaces proline 2260 with serine.
Molecular consequence: missense variant.
Genome position (GRCh38, 1-based): chr19:15,160,850, G>A on the plus strand (C>T on the coding strand, the complement: NOTCH3 is on the minus strand). VCF-style: chr19-15160850-G-A. GRCh37 (hg19) VCF-style: chr19-15271661-G-A.
Other names: p.Pro2260Ser; short protein forms P2260S.
Identifiers: ClinVar variation 3375490 (VCV003375490.2).